The following is an entry in ClinVar:

NM_020066.5(FMN2):c.2256C>T (p.Gly752=)

Gene: FMN2 (formin 2; plus strand). Cytogenetic location: 1q43.
Variant type: single nucleotide variant.
Coding change: c.2256C>T on transcript NM_020066.5 (MANE Select); coding-DNA position 2256, C replaced by T.
Protein change: p.Gly752=; no amino-acid change (glycine 752 retained).
Molecular consequence: synonymous variant. On other transcripts: intron variant (1).
Genome position (GRCh38, 1-based): chr1:240,207,068, C>T. VCF-style: chr1-240207068-C-T. GRCh37 (hg19) VCF-style: chr1-240370368-C-T.
Other names: NC_000001.10:g.240370368C>T; c.2268C>T, p.Gly756= (NM_001305424.2); c.1986+18806C>T (NM_001348094.2).
Identifiers: ClinVar variation 2640129 (VCV002640129.26), dbSNP rs140392779, ClinGen allele CA1476585.
Genomic context (GRCh38, chr1:240,207,068, plus strand): 5'-AGTACGGCATCATAGGATTTTAGAGGCGAAATCGATACAGACTTCCCCCACGGAAGAGGG[C>T]GGGGTGCTGACACTGCCTCCTGTGGATGGGCTGCCAGGGCGTCCTCCATGCCCCCCTGGG-3'
Protein context (NP_064450.3, residues 742-762): KSIQTSPTEE[Gly752=]GVLTLPPVDG

ClinVar aggregate classification (germline): Likely benign. Review status: criteria provided, multiple submitters, no conflicts (2 of 4 stars). 2 submissions from 2 submitters: Likely benign (2). Last evaluated 2026-03-01.

Allele frequency attached by ClinVar (database versions not stated): ESP Exome Variant Server 0.00023; gnomAD 0.00023; TOPMed 0.00023; ExAC 0.00045.
gnomAD v4.1: 548 of 1,614,072 alleles (0.034%); highest among the groups gnomAD compares: South Asian, 0.043%; no homozygotes.

Submissions (3):

CeGaT Center for Human Genetics Tuebingen
Classification: Likely benign. Last evaluated: 2026-03-01. Review status: criteria provided, single submitter. Criteria: CeGaT Center For Human Genetics Tuebingen Variant Classification Criteria Version 2. Collection method: clinical testing. Allele origin: germline. Affected: yes. Observed: 2 variant alleles.
Comment: FMN2: BP4, BP7

Blueprint Genetics
Classification: Likely benign. Last evaluated: 2024-08-07. Review status: criteria provided, single submitter. Criteria: ACMG Guidelines, 2015. Collection method: clinical testing. Allele origin: germline.

Dr. Peter K. Rogan Lab, Western University
No classification provided (evidence only). Condition: Acute myeloid leukemia. Review status: no classification provided. Collection method: in vitro. Allele origin: not applicable. Functional consequence: retained intron. Not counted in ClinVar's aggregate classification.